The following is an entry in ClinVar:

NM_014055.4(IFT81):c.489A>G (p.Ile163Met)

Gene: IFT81 (intraflagellar transport 81; plus strand). Cytogenetic location: 12q24.11.
Variant type: single nucleotide variant.
Coding change: c.489A>G on transcript NM_014055.4 (MANE Select); coding-DNA position 489, A replaced by G.
Protein change: p.Ile163Met; replaces isoleucine 163 with methionine.
Molecular consequence: missense variant. On other transcripts: 5 prime UTR variant (2), non-coding transcript variant (3).
Genome position (GRCh38, 1-based): chr12:110,132,606, A>G. VCF-style: chr12-110132606-A-G. GRCh37 (hg19) VCF-style: chr12-110570411-A-G.
Other names: c.489A>G, p.Ile163Met (NM_001143779.2, NM_001347946.2, NM_031473.4); c.-278A>G (NM_001347947.2, NM_001347948.2); short protein forms I163M.
Identifiers: ClinVar variation 1019375 (VCV001019375.7), dbSNP rs774415653, ClinGen allele CA6783090.

ClinVar aggregate classification (germline): Uncertain significance (1 of 4 stars; one submission).

Allele frequency attached by ClinVar (database versions not stated): gnomAD exomes 0.00001; TOPMed 0.00002; ExAC 0.00003.
gnomAD v4.1: 8 of 1,583,284 alleles (0.00051%); highest among the groups gnomAD compares: East Asian, 0.013%; no homozygotes.

Submission:

Labcorp Genetics (formerly Invitae), Labcorp
Classification: Uncertain significance. Last evaluated: 2020-02-14. Review status: criteria provided, single submitter. Criteria: Invitae Variant Classification Sherloc (09022015). Collection method: clinical testing. Allele origin: germline.
Comment: This sequence change replaces isoleucine with methionine at codon 163 of the IFT81 protein (p.Ile163Met). The isoleucine residue is weakly conserved and there is a small physicochemical difference between isoleucine and methionine. In summary, the available evidence is currently insufficient to determine the role of this variant in disease. Therefore, it has been classified as a Variant of Uncertain Significance. Algorithms developed to predict the effect of missense changes on protein structure and function are either unavailable or do not agree on the potential impact of this missense change (SIFT: "Deleterious"; PolyPhen-2: "Benign"; Align-GVGD: "Class C0"). This variant has not been reported in the literature in individuals with IFT81-related conditions. This variant is present in population databases (rs774415653, ExAC 0.03%).